The following is an entry in ClinVar:

NM_024821.5(CCDC134):c.368C>T (p.Pro123Leu)

Gene: CCDC134 (coiled-coil domain containing 134; plus strand). Cytogenetic location: 22q13.2.
Variant type: single nucleotide variant.
Coding change: c.368C>T on transcript NM_024821.5 (MANE Select); coding-DNA position 368, C replaced by T.
Protein change: p.Pro123Leu; replaces proline 123 with leucine.
Molecular consequence: missense variant. On other transcripts: intron variant (1).
Genome position (GRCh38, 1-based): chr22:41,813,321, C>T. VCF-style: chr22-41813321-C-T. GRCh37 (hg19) VCF-style: chr22-42209325-C-T.
Other names: c.368C>T, p.Pro123Leu (NM_001382346.1); c.225+3321C>T (NM_001304797.2); c.368C>T (NM_024821.3); short protein forms P123L.
Identifiers: ClinVar variation 3138347 (VCV003138347.2), dbSNP rs376157287, ClinGen allele CA10261162.

ClinVar aggregate classification (germline): Uncertain significance. Review status: criteria provided, single submitter (1 of 4 stars). 2 submissions from 2 submitters: Uncertain significance (1). 1 of the submissions does not count toward it. Last evaluated 2023-11-17.

Conditions:
CCDC134-related condition.

Allele frequency attached by ClinVar (database versions not stated): gnomAD exomes 0.00001; ExAC 0.00002; ESP Exome Variant Server 0.00008.
gnomAD v4.1: 14 of 1,614,144 alleles (0.00087%); highest among the groups gnomAD compares: East Asian, 0.0022%; no homozygotes.

Submissions (2):

Ambry Genetics
Classification: Uncertain significance. Last evaluated: 2023-11-17. Review status: criteria provided, single submitter. Criteria: Ambry Variant Classification Scheme 2023. Collection method: clinical testing. Allele origin: germline.

PreventionGenetics, part of Exact Sciences
Classification: Uncertain significance for CCDC134-related condition. Last evaluated: 2024-04-24. Review status: no assertion criteria provided. Collection method: clinical testing. Allele origin: germline. Not counted in ClinVar's aggregate classification.
Comment: The CCDC134 c.368C>T variant is predicted to result in the amino acid substitution p.Pro123Leu. To our knowledge, this variant has not been reported in the literature. This variant is reported in 0.0035% of alleles in individuals of European (Non-Finnish) descent in gnomAD. At this time, the clinical significance of this variant is uncertain due to the absence of conclusive functional and genetic evidence.